The following is an entry in ClinVar:

NM_182961.4(SYNE1):c.19577T>C (p.Ile6526Thr)

Gene: SYNE1 (spectrin repeat containing nuclear envelope protein 1; minus strand). Cytogenetic location: 6q25.2.
Variant type: single nucleotide variant.
Coding change: c.19577T>C on transcript NM_182961.4 (MANE Select); coding-DNA position 19577, T replaced by C.
Protein change: p.Ile6526Thr; replaces isoleucine 6526 with threonine.
Molecular consequence: missense variant.
Genome position (GRCh38, 1-based): chr6:152,244,652, A>G on the plus strand (T>C on the coding strand, the complement: SYNE1 is on the minus strand). VCF-style: chr6-152244652-A-G. GRCh37 (hg19) VCF-style: chr6-152565787-A-G.
Other names: c.19364T>C, p.Ile6455Thr (NM_033071.5); short protein forms I6455T, I6526T.
Identifiers: ClinVar variation 1041167 (VCV001041167.8), dbSNP rs2086639076, ClinGen allele CA366131225.

ClinVar aggregate classification (germline): Uncertain significance (1 of 4 stars; one submission).

Conditions:
Emery-Dreifuss muscular dystrophy 4, autosomal dominant (EDMD4). Also called: EMERY-DREIFUSS MUSCULAR DYSTROPHY 4 WITH VARIABLE FEATURES. Identifiers: Orphanet 261, MedGen C2751807, MONDO:0013071, OMIM 612998.
Autosomal recessive ataxia, Beauce type. Also called: Spinocerebellar ataxia, autosomal recessive 8; ATAXIA, RECESSIVE, OF BEAUCE; SYNE1 Deficiency; SYNE1-Related Autosomal Recessive Cerebellar Ataxia. Identifiers: Orphanet 88644, MedGen C1853116, MONDO:0012549, OMIM 610743.

Allele frequency attached by ClinVar (database versions not stated): gnomAD exomes below 0.00001.
gnomAD v4.1: 1 of 1,613,874 alleles (0.000062%); highest among the groups gnomAD compares: Non-Finnish European, 0.000085%; no homozygotes.

Submission:

Labcorp Genetics (formerly Invitae), Labcorp
Classification: Uncertain significance for Emery-Dreifuss muscular dystrophy 4, autosomal dominant; Autosomal recessive ataxia, Beauce type. Last evaluated: 2020-05-27. Review status: criteria provided, single submitter. Criteria: Invitae Variant Classification Sherloc (09022015). Collection method: clinical testing. Allele origin: germline.
Comment: In summary, the available evidence is currently insufficient to determine the role of this variant in disease. Therefore, it has been classified as a Variant of Uncertain Significance. Algorithms developed to predict the effect of missense changes on protein structure and function (SIFT, PolyPhen-2, Align-GVGD) all suggest that this variant is likely to be disruptive, but these predictions have not been confirmed by published functional studies and their clinical significance is uncertain. This variant has not been reported in the literature in individuals with SYNE1-related conditions. This variant is not present in population databases (ExAC no frequency). This sequence change replaces isoleucine with threonine at codon 6455 of the SYNE1 protein (p.Ile6455Thr). The isoleucine residue is highly conserved and there is a moderate physicochemical difference between isoleucine and threonine.